The following is an entry in ClinVar:

ClinVar aggregate classification (germline): Uncertain significance. Review status: criteria provided, multiple submitters, no conflicts (2 of 4 stars). 8 submissions from 8 submitters: Uncertain significance (8). Last evaluated 2026-01-26.

Conditions:
Hereditary cancer-predisposing syndrome. Also called: Neoplastic Syndromes, Hereditary; Hereditary Cancer Syndrome; Tumor predisposition; Hereditary neoplastic syndrome. Identifiers: Orphanet 140162, MedGen C0027672, MeSH D009386, MONDO:0015356.
Familial cancer of breast. Also called: Hereditary breast cancer; hereditary breast carcinoma; BREAST CANCER, FAMILIAL. Identifiers: Orphanet 227535, MedGen C0346153, MONDO:0016419, OMIM 114480. Disease mechanism: loss of function.

Allele frequency attached by ClinVar (database versions not stated): TOPMed 0.00006; gnomAD exomes 0.00003; gnomAD 0.00005.
gnomAD v4.1: 26 of 1,614,146 alleles (0.0016%); highest among the groups gnomAD compares: Middle Eastern, 0.033%; no homozygotes.

Submissions (8):

Labcorp Genetics (formerly Invitae), Labcorp
Classification: Uncertain significance for Familial cancer of breast. Last evaluated: 2026-01-26. Review status: criteria provided, single submitter. Criteria: Invitae Variant Classification Sherloc (09022015). Collection method: clinical testing. Allele origin: germline.
Comment: This sequence change replaces alanine, which is neutral and non-polar, with threonine, which is neutral and polar, at codon 721 of the BARD1 protein (p.Ala721Thr). This variant is present in population databases (rs554708247, gnomAD 0.02%). This variant has not been reported in the literature in individuals affected with BARD1-related conditions. ClinVar contains an entry for this variant (Variation ID: 141050). An algorithm developed to predict the effect of missense changes on protein structure and function (PolyPhen-2) suggests that this variant is likely to be disruptive. Experimental studies have shown that this missense change does not substantially affect BARD1 function (PMID: 26350354). In summary, the available evidence is currently insufficient to determine the role of this variant in disease. Therefore, it has been classified as a Variant of Uncertain Significance.

Women's Health and Genetics/Laboratory Corporation of America, LabCorp
Classification: Uncertain significance. Last evaluated: 2025-08-12. Review status: criteria provided, single submitter. Criteria: LabCorp Variant Classification Summary - May 2015. Collection method: clinical testing. Allele origin: germline.
Comment: Variant summary: BARD1 c.2161G>A (p.Ala721Thr) results in a non-conservative amino acid change located in the BRCT domain (IPR001357) of the encoded protein sequence. Algorithms developed to predict the effect of missense changes on protein structure and function all suggest that this variant is likely to be disruptive. The variant allele was found at a frequency of 2.8e-05 in 251346 control chromosomes. The available data on variant occurrences in the general population are insufficient to allow any conclusion about variant significance. c.2161G>A has been observed in individual(s) affected with Breast Cancer (e.g. Young_2016, Dorlng_2021, Benito-Sanchez_2022). These report(s) do not provide unequivocal conclusions about association of the variant with Breast Cancer. In two separate functional homology directed repair activity assays, the variant was found to retain approximately 50-75% HDR activity and found to be functional (Adamovich_2019, Lee_2015). The following publications have been ascertained in the context of this evaluation (PMID: 30925164, 35595798, 33471991, 26350354, 31371347, 26787654). ClinVar contains an entry for this variant (Variation ID: 141050). Based on the evidence outlined above, the variant was classified as uncertain significance.

GeneDx
Classification: Uncertain significance. Last evaluated: 2025-03-26. Review status: criteria provided, single submitter. Criteria: GeneDx Variant Classification Process June 2021. Collection method: clinical testing. Allele origin: germline.
Comment: Observed in individuals who underwent multi-gene testing due to a personal and/or family history of cancer (PMID: 34359559, 35595798); In silico analysis indicates that this missense variant does not alter protein structure/function; Published functional studies demonstrate functional homology-directed repair activity in vitro (PMID: 26350354); This variant is associated with the following publications: (PMID: 26787654, 23056176, 34359559, 32980694, 33471991, 30925164, 35595798, 31371347, 17550235, 36243179, 26350354)

Ambry Genetics
Classification: Uncertain significance for Hereditary cancer-predisposing syndrome. Last evaluated: 2025-02-17. Review status: criteria provided, single submitter. Criteria: Ambry Variant Classification Scheme 2023. Collection method: clinical testing. Allele origin: germline.
Comment: The p.A721T variant (also known as c.2161G>A), located in coding exon 11 of the BARD1 gene, results from a G to A substitution at nucleotide position 2161. The alanine at codon 721 is replaced by threonine, an amino acid with similar properties. This alteration showed a decrease in protein structure stability using the I-Mutant 2.0 analysis tool (Alshatwi AA et al. PLoS ONE. 2012 Oct;7:e43939), but demonstrated functional homology-directed DNA repair (HDR) using a tissue culture based assay (Lee C et al. Hum. Mutat. 2015 Dec;36:1205-14).This alteration has also been reported in a study of 1297 cases of early-onset breast cancer and 1121 controls (Young EL et al. J Med Genet, 2016 06;53:366-76). This variant was identified in a cohort of 3,579 African males diagnosed with prostate cancer who underwent multi-gene panel testing of 19 DNA repair and cancer predisposition genes (Matejcic M et al. JCO Precis Oncol, 2020 Jan;4:32-43). Additionally, this alteration was identified in an individual at increased risk to carry a BRCA1 or BRCA2 alteration (Benito-S&aacute;nchez B et al. Sci Rep, 2022 May;12:8547). This amino acid position is well conserved in available vertebrate species. In addition, the in silico prediction for this alteration is inconclusive. Since supporting evidence is limited at this time, the clinical significance of this alteration remains unclear.

St. Jude Molecular Pathology, St. Jude Children's Research Hospital
Classification: Uncertain significance for Familial cancer of breast. Last evaluated: 2024-07-17. Review status: criteria provided, single submitter. Criteria: St. Jude Assertion Criteria 2020. Collection method: clinical testing. Allele origin: germline.
Comment: The BARD1 c.2161G>A (p.Ala721Thr) missense change has a maximum subpopulation frequency of 0.02% in gnomAD v2.1.1. The in silico tool REVEL predicts a benign effect on protein function and a homology-directed repair assay reported this variant as functional (PMID: 26350354). To our knowledge, this variant has not been reported as pathogenic in individuals with BARD1-related disease. In summary, the evidence currently available is insufficient to determine the clinical significance of this variant. It has therefore been classified as of uncertain significance.

Color Diagnostics, LLC DBA Color Health
Classification: Uncertain significance for Hereditary cancer-predisposing syndrome. Last evaluated: 2024-06-04. Review status: criteria provided, single submitter. Criteria: ACMG Guidelines, 2015. Collection method: clinical testing. Allele origin: germline.
Comment: This missense variant replaces alanine with threonine at codon 721 of the BARD1 protein. Computational prediction tool suggests that this variant may not impact protein structure and function. A functional study has shown that the variant causes 25% decrease in homology-directed repair activity (PMID: 26350354). The clinical relevance of this observation is not known. This variant has been reported in individuals affected with prostate cancer, individuals affected with breast cancer, individuals meeting criteria to be tested for hereditary breast and ovarian cancer (PMID: 32832836, 33471991, 34359559, 35595798) as well as in unaffected controls (PMID: 32980694, 33471991). This variant has been identified in 8/282730 chromosomes in the general population by the Genome Aggregation Database (gnomAD). The available evidence is insufficient to determine the role of this variant in disease conclusively. Therefore, this variant is classified as a Variant of Uncertain Significance.

Quest Diagnostics Nichols Institute San Juan Capistrano
Classification: Uncertain significance. Last evaluated: 2024-01-02. Review status: criteria provided, single submitter. Criteria: Quest Diagnostics criteria. Collection method: clinical testing. Allele origin: unknown.
Comment: The BARD1 c.2161G>A (p.Ala721Thr) variant has been reported in the published literature in individuals/families affected with breast/ovarian cancer (PMIDs: 26787654 (2016), 34359559 (2021), 35595798 (2022)). This variant has also been reported in affected and reportedly healthy individuals in a large-scale breast cancer association study (PMID: 33471991 (2021), see also LOVD). An in vitro experimental study described the variant as being functional in a homologous DNA repair assay, however, the authors observed a minor reduction in activity (PMID: 26350354 (2015)). The frequency of this variant in the general population, 0.0002 (5/24960 chromosomes in African/African American subpopulation (Genome Aggregation Database)), is higher than would generally be expected for pathogenic variants in this gene. Based on the available information, we are unable to determine the clinical significance of this variant.

Sema4
Classification: Uncertain significance for Hereditary cancer-predisposing syndrome. Last evaluated: 2021-09-11. Review status: criteria provided, single submitter. Criteria: Sema4 Curation Guidelines. Collection method: curation. Allele origin: germline.
Comment: The BARD1 c.2161G>A (p.A721T) variant has been reported in at least two individuals with breast cancer (PMID: 33471991, 34359559), but has also been reported in healthy controls (PMID: 33471991, 32980694). On homology directed repair (HDR) assays this variant has been shown to have between 50-75% HDR activity compared to wildtype (PMID: 26350354, 30925164). It was observed in 5/24960 chromosomes of the African/African American subpopulation in the large and broad cohorts of the Genome Aggregation Database (PMID: 32461654). The variant has been reported in ClinVar (Variation ID: 141050). In silico predictions of the variant's effect on protein function are inconclusive. The evidence is insufficient to meet ACMG/AMP criteria for classifying the variant as benign or pathogenic. Thus, the clinical significance of this variant is currently uncertain.

Literature cited by the submitters: PubMed 26350354 (cited by 6 submitters); PubMed 26787654 (cited by 3 submitters); PubMed 30925164 (cited by Women's Health and Genetics/Laboratory Corporation of America, LabCorp and Sema4); PubMed 31371347 (cited by Women's Health and Genetics/Laboratory Corporation of America, LabCorp); PubMed 33471991 (cited by 4 submitters); PubMed 35595798 (cited by 4 submitters); PubMed 23056176 (cited by Ambry Genetics and Quest Diagnostics Nichols Institute San Juan Capistrano); PubMed 32832836 (cited by 3 submitters); PubMed 32980694 (cited by 3 submitters); PubMed 34359559 (cited by 3 submitters); PubMed 36243179 (cited by Quest Diagnostics Nichols Institute San Juan Capistrano); PubMed 37936247 (cited by Quest Diagnostics Nichols Institute San Juan Capistrano).

NM_000465.4(BARD1):c.2161G>A (p.Ala721Thr)

Gene: BARD1 (BRCA1 associated RING domain 1; minus strand). Cytogenetic location: 2q35.
Variant type: single nucleotide variant.
Coding change: c.2161G>A on transcript NM_000465.4 (MANE Select); coding-DNA position 2161, G replaced by A.
Protein change: p.Ala721Thr; replaces alanine 721 with threonine.
Molecular consequence: missense variant. On other transcripts: non-coding transcript variant (3).
Genome position (GRCh38, 1-based): chr2:214,728,849, C>T on the plus strand (G>A on the coding strand, the complement: BARD1 is on the minus strand). VCF-style: chr2-214728849-C-T. GRCh37 (hg19) VCF-style: chr2-215593573-C-T.
Other names: c.2104G>A, p.Ala702Thr (NM_001282543.2); c.808G>A, p.Ala270Thr (NM_001282545.2); c.751G>A, p.Ala251Thr (NM_001282548.2); c.622G>A, p.Ala208Thr (NM_001282549.2); short protein forms A721T, A208T, A251T, A270T, A702T.
Identifiers: ClinVar variation 141050 (VCV000141050.28), dbSNP rs554708247, ClinGen allele CA164322.